The following is an entry in ClinVar:

NM_004973.4(JARID2):c.782G>A (p.Arg261His)

Gene: JARID2 (jumonji and AT-rich interaction domain containing 2; plus strand). Cytogenetic location: 6p22.3.
Variant type: single nucleotide variant.
Coding change: c.782G>A on transcript NM_004973.4 (MANE Select); coding-DNA position 782, G replaced by A.
Protein change: p.Arg261His; replaces arginine 261 with histidine.
Molecular consequence: missense variant.
Genome position (GRCh38, 1-based): chr6:15,487,418, G>A. VCF-style: chr6-15487418-G-A. GRCh37 (hg19) VCF-style: chr6-15487649-G-A.
Other names: c.266G>A, p.Arg89His (NM_001267040.1); short protein forms R261H, R89H.
Identifiers: ClinVar variation 4681414 (VCV004681414.5).

ClinVar aggregate classification (germline): Likely benign (1 of 4 stars; one submission).

gnomAD v4.1: 117 of 1,614,240 alleles (0.0072%); highest among the groups gnomAD compares: Admixed American, 0.038%; 1 homozygote.

Submission:

CeGaT Center for Human Genetics Tuebingen
Classification: Likely benign. Last evaluated: 2025-11-01. Review status: criteria provided, single submitter. Criteria: CeGaT Center For Human Genetics Tuebingen Variant Classification Criteria Version 2. Collection method: clinical testing. Allele origin: germline. Affected: yes. Observed: 1 variant allele.
Comment: JARID2: BP4